The following is an entry in ClinVar:

NM_001267550.2(TTN):c.105421T>C (p.Tyr35141His)

Genes: TTN (titin; minus strand), TTN-AS1 (TTN antisense RNA 1; plus strand). Cytogenetic location: 2q31.2.
Variant type: single nucleotide variant.
Coding change: c.105421T>C on transcript NM_001267550.2 (MANE Select); coding-DNA position 105421, T replaced by C.
Protein change: p.Tyr35141His; replaces tyrosine 35141 with histidine.
Molecular consequence: missense variant.
Genome position (GRCh38, 1-based): chr2:178,531,194, A>G on the plus strand (T>C on the coding strand, the complement: TTN is on the minus strand). VCF-style: chr2-178531194-A-G. GRCh37 (hg19) VCF-style: chr2-179395921-A-G.
Other names: c.100498T>C, p.Tyr33500His (NM_001256850.1); c.78226T>C, p.Tyr26076His (NM_003319.4); c.97717T>C, p.Tyr32573His (NM_133378.4); c.78601T>C, p.Tyr26201His (NM_133432.3); c.78802T>C, p.Tyr26268His (NM_133437.4); short protein forms Y26076H, Y26268H, Y32573H, Y26201H, Y33500H, Y35141H.
Identifiers: ClinVar variation 4786118 (VCV004786118.1).

ClinVar aggregate classification (germline): Uncertain significance (1 of 4 stars; one submission).

Conditions:
Autosomal recessive limb-girdle muscular dystrophy type 2J (LGMDR10). Also called: Limb-girdle muscular dystrophy, type 2J; MUSCULAR DYSTROPHY, LIMB-GIRDLE, AUTOSOMAL RECESSIVE 10. Identifiers: Orphanet 140922, MedGen C1837342, MONDO:0012127, OMIM 608807.
Dilated cardiomyopathy 1G (CMD1G). Identifiers: Orphanet 154, MedGen C1858763, MONDO:0011400, OMIM 604145.

Submission:

Labcorp Genetics (formerly Invitae), Labcorp
Classification: Uncertain significance for Dilated cardiomyopathy 1G; Autosomal recessive limb-girdle muscular dystrophy type 2J. Last evaluated: 2025-09-11. Review status: criteria provided, single submitter. Criteria: Invitae Variant Classification Sherloc (09022015). Collection method: clinical testing. Allele origin: germline.
Comment: This sequence change replaces tyrosine, which is neutral and polar, with histidine, which is basic and polar, at codon 35141 of the TTN protein (p.Tyr35141His). This variant is not present in population databases (gnomAD no frequency). This variant has not been reported in the literature in individuals affected with TTN-related conditions. An algorithm developed to predict the effect of missense changes on protein structure and function outputs the following: PolyPhen-2: "Not Available". The histidine amino acid residue is found in multiple mammalian species, which suggests that this missense change does not adversely affect protein function. This variant is located in the M band of TTN (PMID: 25589632). Non-truncating variants in this region may be relevant for neuromuscular disorders, but have not been definitively shown to cause cardiomyopathy (PMID: 23975875). In summary, the available evidence is currently insufficient to determine the role of this variant in disease. Therefore, it has been classified as a Variant of Uncertain Significance.

Literature cited by the submitters: PubMed 25589632; PubMed 23975875.